The following is an entry in ClinVar:

NM_002692.4(POLE2):c.14G>A (p.Arg5Gln)

Gene: POLE2 (DNA polymerase epsilon 2, accessory subunit; minus strand). Cytogenetic location: 14q21.3.
Variant type: single nucleotide variant.
Coding change: c.14G>A on transcript NM_002692.4 (MANE Select); coding-DNA position 14, G replaced by A.
Protein change: p.Arg5Gln; replaces arginine 5 with glutamine.
Molecular consequence: missense variant. On other transcripts: 5 prime UTR variant (1).
Genome position (GRCh38, 1-based): chr14:49,688,190, C>T on the plus strand (G>A on the coding strand, the complement: POLE2 is on the minus strand). VCF-style: chr14-49688190-C-T. GRCh37 (hg19) VCF-style: chr14-50154908-C-T.
Other names: c.14G>A, p.Arg5Gln (NM_001197330.2, NM_001197331.3, NM_001348384.2); c.-222G>A (NM_001348385.2); short protein forms R5Q.
Identifiers: ClinVar variation 3698709 (VCV003698709.2).

ClinVar aggregate classification (germline): Uncertain significance (1 of 4 stars; one submission).

gnomAD v4.1: 8 of 1,533,960 alleles (0.00052%); highest among the groups gnomAD compares: Non-Finnish European, 0.0007%; no homozygotes.

Submission:

Labcorp Genetics (formerly Invitae), Labcorp
Classification: Uncertain significance. Last evaluated: 2024-10-12. Review status: criteria provided, single submitter. Criteria: Invitae Variant Classification Sherloc (09022015). Collection method: clinical testing. Allele origin: germline.
Comment: This sequence change replaces arginine, which is basic and polar, with glutamine, which is neutral and polar, at codon 5 of the POLE2 protein (p.Arg5Gln). This variant is not present in population databases (gnomAD no frequency). This variant has not been reported in the literature in individuals affected with POLE2-related conditions. An algorithm developed to predict the effect of missense changes on protein structure and function (PolyPhen-2) suggests that this variant is likely to be tolerated. In summary, the available evidence is currently insufficient to determine the role of this variant in disease. Therefore, it has been classified as a Variant of Uncertain Significance.